The following is an entry in ClinVar:

ClinVar aggregate classification (germline): other (0 of 4 stars; one submission).

Conditions:
Familial colorectal cancer. Identifiers: MedGen CN280943, MONDO:0023113. Disease mechanism: loss of function.

Submission:

Systems Biology Platform Zhejiang California International NanoSystems Institute
Classification: other for Familial colorectal cancer. Review status: no assertion criteria provided. Collection method: not provided. Allele origin: unknown.
ClinVar note: Converted during submission from cancer to other.

NC_000005.10:g.112851087G>T

Variant type: single nucleotide variant.
Genome position: GRCh38 VCF-style: chr5-112851087-G-T. GRCh37 (hg19) VCF-style: chr5-112186784-G-T.
Identifiers: ClinVar variation 82682 (VCV000082682.3), dbSNP rs78153755, ClinGen allele CA250822.
Genomic context (GRCh38, chr5:112,851,087, plus strand): 5'-GGGATTACAGGCATCCACCAACACACCCAGCTAATCTTTTGTATTTTTAGTAGAGACAGG[G>T]TTTTACCATTTTGGTCAGGCTGGTCTCAAACTCCTGAGCTTAGGTGATCCGCCCACCTTG-3'